The following is an entry in ClinVar:

ClinVar aggregate classification (germline): Pathogenic. Review status: criteria provided, multiple submitters, no conflicts (2 of 4 stars). 2 submissions from 2 submitters: Pathogenic (2). Last evaluated 2025-07-30.

Conditions:
Familial cancer of breast. Also called: hereditary breast carcinoma; BREAST CANCER, FAMILIAL; Hereditary breast cancer. Identifiers: Orphanet 227535, MedGen C0346153, MONDO:0016419, OMIM 114480. Disease mechanism: loss of function.
Hereditary cancer-predisposing syndrome. Also called: Tumor predisposition; Hereditary Cancer Syndrome; Hereditary neoplastic syndrome; Neoplastic Syndromes, Hereditary. Identifiers: Orphanet 140162, MedGen C0027672, MeSH D009386, MONDO:0015356.

Submissions (2):

Ambry Genetics
Classification: Pathogenic for Hereditary cancer-predisposing syndrome. Last evaluated: 2025-07-30. Review status: criteria provided, single submitter. Criteria: Ambry Variant Classification Scheme 2023. Collection method: clinical testing. Allele origin: germline.
Comment: The c.7221delA pathogenic mutation, located in coding exon 48 of the ATM gene, results from a deletion of one nucleotide at nucleotide position 7221, causing a translational frameshift with a predicted alternate stop codon (p.S2408Rfs*10). This variant is considered to be rare based on population cohorts in the Genome Aggregation Database (gnomAD). This alteration is expected to result in loss of function by premature protein truncation or nonsense-mediated mRNA decay. As such, this alteration is interpreted as a disease-causing mutation.

Myriad Genetics, Inc.
Classification: Pathogenic for Familial cancer of breast. Last evaluated: 2024-01-31. Review status: criteria provided, single submitter. Criteria: Myriad Autosomal Dominant, Autosomal Recessive and X-Linked Classification Criteria (2023). Collection method: clinical testing. Allele origin: unknown.
Comment: This variant is considered pathogenic. This variant creates a frameshift predicted to result in premature protein truncation.

NM_000051.4(ATM):c.7221del (p.Ser2408fs)

Genes: ATM (ATM serine/threonine kinase; plus strand), C11orf65 (chromosome 11 open reading frame 65; minus strand). Cytogenetic location: 11q22.3.
Variant type: Deletion.
Coding change: c.7221del on transcript NM_000051.4 (MANE Select); coding-DNA position 7221, one base deleted (A; older notation c.7221delA).
Protein change: p.Ser2408fs; shifts the reading frame from serine 2408.
Molecular consequence: frameshift variant. On other transcripts: intron variant (2).
Genome position (GRCh38, 1-based): chr11:108,329,152, A deleted. VCF-style (leftmost placement, unchanged base first): chr11-108329151-CA-C. GRCh37 (hg19) VCF-style: chr11-108199878-CA-C.
Other names: c.7221del, p.Ser2408fs (NM_001351834.2); c.641-20081del (NM_001330368.2); c.*38+6068del (NM_001351110.2); short protein forms S2408fs.
Identifiers: ClinVar variation 3148418 (VCV003148418.2), dbSNP rs2547249423, ClinGen allele CA2825001949.